The following is an entry in ClinVar:

NM_058004.4(PI4KA):c.2064C>T (p.Ser688=)

Gene: PI4KA (phosphatidylinositol 4-kinase alpha; minus strand). Cytogenetic location: 22q11.21.
Variant type: single nucleotide variant.
Coding change: c.2064C>T on transcript NM_058004.4 (MANE Select); coding-DNA position 2064, C replaced by T.
Protein change: p.Ser688=; no amino-acid change (serine 688 retained).
Molecular consequence: synonymous variant.
Genome position (GRCh38, 1-based): chr22:20,798,628, G>A on the plus strand (C>T on the coding strand, the complement: PI4KA is on the minus strand). VCF-style: chr22-20798628-G-A. GRCh37 (hg19) VCF-style: chr22-21152916-G-A.
Other names: c.2064C>T, p.Ser688= (NM_001362862.2); c.1998C>T, p.Ser666= (NM_001362863.2).
Identifiers: ClinVar variation 1335476 (VCV001335476.36), dbSNP rs61752246, ClinGen allele CA10116259.
Genomic context (GRCh38, chr22:20,798,628, plus strand): 5'-AATGAGGTCCAGTTACCTATAGCCGTGGTCCTTGTAATCTTTGGTGGCTGAGTATACAAC[G>A]GAGCTGGCCTTCACACTGATCTGCTGGAAGAGGTTCCACACTTCCTGATAGATGTATTGC-3'
Protein context (NP_477352.3, residues 678-698): LFQQISVKAS[Ser688=]VVYSATKDYK

ClinVar aggregate classification (germline): Likely benign. Review status: criteria provided, multiple submitters, no conflicts (2 of 4 stars). 2 submissions from 2 submitters: Likely benign (2). Last evaluated 2026-09-01.

Allele frequency attached by ClinVar (database versions not stated): 1000 Genomes Project 30x 0.00094; 1000 Genomes Project 0.00100; gnomAD 0.00137 and 0.00139; TOPMed 0.00170; gnomAD exomes 0.00173 and 0.00212; ExAC 0.00183; ESP Exome Variant Server 0.00223.
gnomAD v4.1: 3,299 of 1,613,716 alleles (0.2%); highest among the groups gnomAD compares: Admixed American, 0.37%; 12 homozygotes.

Submissions (2):

CeGaT Center for Human Genetics Tuebingen
Classification: Likely benign. Last evaluated: 2026-09-01. Review status: criteria provided, single submitter. Criteria: CeGaT Center For Human Genetics Tuebingen Variant Classification Criteria Version 2. Collection method: clinical testing. Allele origin: germline. Affected: yes. Observed: 8 variant alleles.
Comment: PI4KA: BP4, BP7

Blueprint Genetics
Classification: Likely benign. Last evaluated: 2024-10-15. Review status: criteria provided, single submitter. Criteria: ACMG Guidelines, 2015. Collection method: clinical testing. Allele origin: germline.